The following is an entry in ClinVar:

ClinVar aggregate classification (germline): Likely benign. Review status: criteria provided, multiple submitters, no conflicts (2 of 4 stars). 3 submissions from 3 submitters: Likely benign (3). Last evaluated 2023-12-06.

Allele frequency attached by ClinVar (database versions not stated): 1000 Genomes Project 30x 0.00031; 1000 Genomes Project 0.00040.
gnomAD v4.1: 2 of 1,606,286 alleles (0.00012%); highest among the groups gnomAD compares: East Asian, 0.0045%; no homozygotes.

Submissions (3):

Labcorp Genetics (formerly Invitae), Labcorp
Classification: Likely benign. Last evaluated: 2023-12-06. Review status: criteria provided, single submitter. Criteria: Invitae Variant Classification Sherloc (09022015). Collection method: clinical testing. Allele origin: germline.

CeGaT Center for Human Genetics Tuebingen
Classification: Likely benign. Last evaluated: 2022-04-01. Review status: criteria provided, single submitter. Criteria: CeGaT Center For Human Genetics Tuebingen Variant Classification Criteria Version 2. Collection method: clinical testing. Allele origin: germline. Affected: yes. Observed: 1 variant allele.
Comment: CACNA1E: BP4, BP7

Blueprint Genetics
Classification: Likely benign. Last evaluated: 2020-04-23. Review status: criteria provided, single submitter. Criteria: ACMG Guidelines, 2015. Collection method: clinical testing. Allele origin: germline.

NM_001205293.3(CACNA1E):c.3171G>T (p.Thr1057=)

Gene: CACNA1E (calcium voltage-gated channel subunit alpha1 E; plus strand). Cytogenetic location: 1q25.3.
Variant type: single nucleotide variant.
Coding change: c.3171G>T on transcript NM_001205293.3 (MANE Select); coding-DNA position 3171, G replaced by T.
Protein change: p.Thr1057=; no amino-acid change (threonine 1057 retained).
Molecular consequence: synonymous variant.
Genome position (GRCh38, 1-based): chr1:181,733,659, G>T. VCF-style: chr1-181733659-G-T. GRCh37 (hg19) VCF-style: chr1-181702795-G-T.
Other names: c.3171G>T, p.Thr1057= (NM_000721.4); c.3114G>T, p.Thr1038= (NM_001205294.2).
Identifiers: ClinVar variation 2639612 (VCV002639612.28), dbSNP rs537667743, ClinGen allele CA33816587.